The following is an entry in ClinVar:

NM_003114.5(SPAG1):c.1427A>G (p.Glu476Gly)

Genes: SPAG1 (sperm associated antigen 1; plus strand), LOC130000832 (ATAC-STARR-seq lymphoblastoid silent region 19412; plus strand). Cytogenetic location: 8q22.2.
Variant type: single nucleotide variant.
Coding change: c.1427A>G on transcript NM_003114.5 (MANE Select); coding-DNA position 1427, A replaced by G.
Protein change: p.Glu476Gly; replaces glutamic acid 476 with glycine.
Molecular consequence: missense variant.
Genome position (GRCh38, 1-based): chr8:100,213,420, A>G. VCF-style: chr8-100213420-A-G. GRCh37 (hg19) VCF-style: chr8-101225648-A-G.
Other names: c.1427A>G, p.Glu476Gly (NM_001374321.1, NM_172218.3); short protein forms E476G.
Identifiers: ClinVar variation 4801258 (VCV004801258.1).

ClinVar aggregate classification (germline): Uncertain significance (1 of 4 stars; one submission).

Conditions:
Primary ciliary dyskinesia 28. Also called: CILIARY DYSKINESIA, PRIMARY, 28, WITH OR WITHOUT SITUS INVERSUS. Identifiers: Orphanet 244, MedGen C3809706, MONDO:0014216, OMIM 615505.

Submission:

Labcorp Genetics (formerly Invitae), Labcorp
Classification: Uncertain significance for Primary ciliary dyskinesia 28. Last evaluated: 2025-02-23. Review status: criteria provided, single submitter. Criteria: Invitae Variant Classification Sherloc (09022015). Collection method: clinical testing. Allele origin: germline.
Comment: This sequence change replaces glutamic acid, which is acidic and polar, with glycine, which is neutral and non-polar, at codon 476 of the SPAG1 protein (p.Glu476Gly). This variant is not present in population databases (gnomAD no frequency). This variant has not been reported in the literature in individuals affected with SPAG1-related conditions. Invitae Evidence Modeling of protein sequence and biophysical properties (such as structural, functional, and spatial information, amino acid conservation, physicochemical variation, residue mobility, and thermodynamic stability) indicates that this missense variant is not expected to disrupt SPAG1 protein function with a negative predictive value of 80%. In summary, the available evidence is currently insufficient to determine the role of this variant in disease. Therefore, it has been classified as a Variant of Uncertain Significance.